The following is an entry in ClinVar:

ClinVar aggregate classification (germline): Likely pathogenic (1 of 4 stars; one submission).

Conditions:
Asphyxiating thoracic dystrophy 5 (SRTD5). Also called: SHORT-RIB THORACIC DYSPLASIA 5 WITH OR WITHOUT POLYDACTYLY; SHORT-RIB THORACIC DYSPLASIA 5 WITHOUT POLYDACTYLY. Identifiers: Orphanet 474, MedGen C3280598, MONDO:0013717, OMIM 614376.
Senior-Loken syndrome 8 (SLSN8). Identifiers: Orphanet 3156, MedGen C4225376, MONDO:0014579, OMIM 616307.

Submission:

Labcorp Genetics (formerly Invitae), Labcorp
Classification: Likely pathogenic for Senior-Loken syndrome 8; Asphyxiating thoracic dystrophy 5. Last evaluated: 2022-06-13. Review status: criteria provided, single submitter. Criteria: Invitae Variant Classification Sherloc (09022015). Collection method: clinical testing. Allele origin: germline.
Comment: This variant has not been reported in the literature in individuals affected with WDR19-related conditions. This variant is not present in population databases (gnomAD no frequency). This sequence change affects a splice site in intron 8 of the WDR19 gene. It is expected to disrupt RNA splicing. Variants that disrupt the donor or acceptor splice site typically lead to a loss of protein function (PMID: 16199547), and loss-of-function variants in WDR19 are known to be pathogenic (PMID: 22019273, 23559409, 23683095, 26275793, 27241786, 29068549). In summary, the currently available evidence indicates that the variant is pathogenic, but additional data are needed to prove that conclusively. Therefore, this variant has been classified as Likely Pathogenic. Algorithms developed to predict the effect of sequence changes on RNA splicing suggest that this variant may disrupt the consensus splice site. ClinVar contains an entry for this variant (Variation ID: 941323).

Literature cited by the submitters: PubMed 16199547; PubMed 22019273; PubMed 23559409; PubMed 23683095; PubMed 26275793; PubMed 27241786; PubMed 29068549.

NM_025132.4(WDR19):c.716+2del

Gene: WDR19 (WD repeat domain 19; plus strand). Cytogenetic location: 4p14.
Variant type: Deletion.
Coding change: c.716+2del on transcript NM_025132.4 (MANE Select); the canonical splice donor site of the intron after coding-DNA position 716, one base deleted (T; older notation c.716+2delT).
Molecular consequence: splice donor variant.
Genome position (GRCh38, 1-based): chr4:39,205,268, T deleted. VCF-style (leftmost placement, unchanged base first): chr4-39205267-GT-G. GRCh37 (hg19) VCF-style: chr4-39206887-GT-G.
Other names: c.236+2del (NM_001317924.2).
Identifiers: ClinVar variation 941323 (VCV000941323.8), dbSNP rs1727827349, ClinGen allele CA1139658469.